The following is an entry in ClinVar:

ClinVar aggregate classification (germline): Conflicting classifications of pathogenicity. Review status: criteria provided, conflicting classifications (1 of 4 stars). 3 submissions from 3 submitters: Uncertain significance (2); Likely benign (1). Last evaluated 2025-10-21.

Conditions:
Hereditary sensory neuropathy-deafness-dementia syndrome. Also called: Hereditary sensory neuropathy type IE; Hereditary Sensory and Autonomic Neuropathy Type 1E (HSAN1E); HSN IE; NEUROPATHY, HEREDITARY SENSORY, WITH HEARING LOSS AND DEMENTIA. Identifiers: Orphanet 456318, MedGen C3279885, MONDO:0013584, OMIM 614116.

Allele frequency attached by ClinVar (database versions not stated): gnomAD 0.00001; TOPMed 0.00001; ExAC 0.00002; gnomAD exomes 0.00002.
gnomAD v4.1: 31 of 1,613,258 alleles (0.0019%); highest among the groups gnomAD compares: Middle Eastern, 0.017%; no homozygotes.

Submissions (3):

Labcorp Genetics (formerly Invitae), Labcorp
Classification: Uncertain significance for Hereditary sensory neuropathy-deafness-dementia syndrome. Last evaluated: 2025-10-21. Review status: criteria provided, single submitter. Criteria: Invitae Variant Classification Sherloc (09022015). Collection method: clinical testing. Allele origin: germline.
Comment: This sequence change replaces valine, which is neutral and non-polar, with isoleucine, which is neutral and non-polar, at codon 754 of the DNMT1 protein (p.Val754Ile). This variant is present in population databases (rs762172122, gnomAD 0.01%). This variant has not been reported in the literature in individuals affected with DNMT1-related conditions. ClinVar contains an entry for this variant (Variation ID: 327903). Invitae Evidence Modeling of protein sequence and biophysical properties (such as structural, functional, and spatial information, amino acid conservation, physicochemical variation, residue mobility, and thermodynamic stability) indicates that this missense variant is not expected to disrupt DNMT1 protein function with a negative predictive value of 80%. In summary, the available evidence is currently insufficient to determine the role of this variant in disease. Therefore, it has been classified as a Variant of Uncertain Significance.

GeneDx
Classification: Uncertain significance. Last evaluated: 2025-05-19. Review status: criteria provided, single submitter. Criteria: GeneDx Variant Classification Process June 2021. Collection method: clinical testing. Allele origin: germline. Affected: yes.
Comment: In silico analysis suggests that this missense variant does not alter protein structure/function; Has not been previously published as pathogenic or benign to our knowledge

Illumina Laboratory Services, Illumina
Classification: Likely benign for Hereditary sensory neuropathy-deafness-dementia syndrome. Last evaluated: 2018-01-12. Review status: criteria provided, single submitter. Criteria: ICSL Variant Classification Criteria 13 December 2019. Collection method: clinical testing. Allele origin: germline.
Comment: This variant was observed in the ICSL laboratory as part of a predisposition screen in an ostensibly healthy population. It had not been previously curated by ICSL or reported in the Human Gene Mutation Database (HGMD: prior to June 1st, 2018), and was therefore a candidate for classification through an automated scoring system. Utilizing variant allele frequency, disease prevalence and penetrance estimates, and inheritance mode, an automated score was calculated to assess if this variant is too frequent to cause the disease. Based on the score and internal cut-off values, a variant classified as likely benign is not then subjected to further curation. The score for this variant resulted in a classification of likely benign for this disease.

NM_001130823.3(DNMT1):c.2260G>A (p.Val754Ile)

Gene: DNMT1 (DNA methyltransferase 1; minus strand). Cytogenetic location: 19p13.2.
Variant type: single nucleotide variant.
Coding change: c.2260G>A on transcript NM_001130823.3 (MANE Select); coding-DNA position 2260, G replaced by A.
Protein change: p.Val754Ile; replaces valine 754 with isoleucine.
Molecular consequence: missense variant.
Genome position (GRCh38, 1-based): chr19:10,151,403, C>T on the plus strand (G>A on the coding strand, the complement: DNMT1 is on the minus strand). VCF-style: chr19-10151403-C-T. GRCh37 (hg19) VCF-style: chr19-10262079-C-T.
Other names: c.2260G>A (LRG_362t1); c.2212G>A, p.Val738Ile (NM_001318730.2, NM_001379.4); c.1897G>A, p.Val633Ile (NM_001318731.2); short protein forms V754I, V633I, V738I.
Identifiers: ClinVar variation 327903 (VCV000327903.10), dbSNP rs762172122, ClinGen allele CA9188108.
Genomic context (GRCh38, chr19:10,151,403, plus strand): 5'-CAACCTGCTTATTGGGAACATGGCAGTGAGCTGACCAAGGGGCTCCAAGGGTTACCTTGA[C>T]GGCTTCTCCGACCCAAGAGATGCGATTCTTGTTCTGTTTCTTCTTCTTCCCCTGGTGCAT-3'
Protein context (NP_001124295.1, residues 744-764): KNRISWVGEA[Val754Ile]KTDGKKSYYK